The following is an entry in ClinVar:

ClinVar aggregate classification (germline): Uncertain significance (1 of 4 stars; one submission).

Conditions:
Fanconi anemia complementation group O. Also called: RAD51C-Related Fanconi Anemia. Identifiers: Orphanet 84, MedGen C3150653, MONDO:0013248, OMIM 613390.

gnomAD v4.1: 2 of 1,614,228 alleles (0.00012%); highest among the groups gnomAD compares: Non-Finnish European, 0.00017%; no homozygotes.

Submission:

Labcorp Genetics (formerly Invitae), Labcorp
Classification: Uncertain significance for Fanconi anemia complementation group O. Last evaluated: 2024-08-07. Review status: criteria provided, single submitter. Criteria: Invitae Variant Classification Sherloc (09022015). Collection method: clinical testing. Allele origin: germline.
Comment: This sequence change replaces lysine, which is basic and polar, with threonine, which is neutral and polar, at codon 26 of the RAD51C protein (p.Lys26Thr). This variant is present in population databases (rs746026526, gnomAD 0.002%). This variant has not been reported in the literature in individuals affected with RAD51C-related conditions. Advanced modeling of protein sequence and biophysical properties (such as structural, functional, and spatial information, amino acid conservation, physicochemical variation, residue mobility, and thermodynamic stability) has been performed at Invitae for this missense variant, however the output from this modeling did not meet the statistical confidence thresholds required to predict the impact of this variant on RAD51C protein function. In summary, the available evidence is currently insufficient to determine the role of this variant in disease. Therefore, it has been classified as a Variant of Uncertain Significance.

NM_058216.3(RAD51C):c.77A>C (p.Lys26Thr)

Gene: RAD51C (RAD51 paralog C; plus strand). Cytogenetic location: 17q22.
Variant type: single nucleotide variant.
Coding change: c.77A>C on transcript NM_058216.3 (MANE Select); coding-DNA position 77, A replaced by C.
Protein change: p.Lys26Thr; replaces lysine 26 with threonine.
Molecular consequence: missense variant. On other transcripts: non-coding transcript variant (1).
Genome position (GRCh38, 1-based): chr17:58,692,720, A>C. VCF-style: chr17-58692720-A-C. GRCh37 (hg19) VCF-style: chr17-56770081-A-C.
Other names: c.77A>C, p.Lys26Thr (NM_002876.4); short protein forms K26T.
Identifiers: ClinVar variation 3608888 (VCV003608888.2).
Genomic context (GRCh38, chr17:58,692,720, plus strand): 5'-TCCGCTTTGAAATGCAGCGGGATTTGGTGAGTTTCCCGCTGTCTCCAGCGGTGCGGGTGA[A>C]GCTGGTGTCTGCGGGGTTCCAGACTGCTGAGGAACTCCTAGAGGTGAAACCCTCCGAGCT-3'
Protein context (NP_478123.1, residues 16-36): SFPLSPAVRV[Lys26Thr]LVSAGFQTAE